The following is an entry in ClinVar:

NM_017780.4(CHD7):c.1724G>C (p.Gly575Ala)

Genes: CHD7 (chromodomain helicase DNA binding protein 7; plus strand), LOC126860403 (CDK7 strongly-dependent group 2 enhancer GRCh37_chr8:61693034-61694233; plus strand). Cytogenetic location: 8q12.2.
Variant type: single nucleotide variant.
Coding change: c.1724G>C on transcript NM_017780.4 (MANE Select); coding-DNA position 1724, G replaced by C.
Protein change: p.Gly575Ala; replaces glycine 575 with alanine.
Molecular consequence: missense variant. On other transcripts: intron variant (1).
Genome position (GRCh38, 1-based): chr8:60,781,058, G>C. VCF-style: chr8-60781058-G-C. GRCh37 (hg19) VCF-style: chr8-61693617-G-C.
Other names: c.1716+8G>C (NM_001316690.1); short protein forms G575A.
Identifiers: ClinVar variation 2461536 (VCV002461536.5), dbSNP rs373241103, ClinGen allele CA4759562.

ClinVar aggregate classification (germline): Conflicting classifications of pathogenicity. Review status: criteria provided, conflicting classifications (1 of 4 stars). 3 submissions from 3 submitters: Uncertain significance (1); Benign (1); Likely benign (1). Last evaluated 2024-11-11.

Conditions:
CHARGE syndrome (CHARGE). Also called: Hittner Hirsch Kreh syndrome; CHARGE ASSOCIATION--COLOBOMA, HEART ANOMALY, CHOANAL ATRESIA, RETARDATION, GENITAL AND EAR ANOMALIES; Coloboma, heart anomaly, choanal atresia, retardation, genital and ear anomalies; CHARGE association; Hall-Hittner syndrome. Identifiers: Orphanet 138, MedGen C0265354, MONDO:0008965.
CHD7-related disorder. Also called: CHD7-related condition.
Inborn genetic diseases. Identifiers: MedGen C0950123, MeSH D030342.

Allele frequency attached by ClinVar (database versions not stated): gnomAD 0.00001; ExAC 0.00002; gnomAD exomes 0.00002; TOPMed 0.00002; ESP Exome Variant Server 0.00008.
gnomAD v4.1: 27 of 1,609,720 alleles (0.0017%); highest among the groups gnomAD compares: Non-Finnish European, 0.0012%; no homozygotes.

Submissions (3):

Labcorp Genetics (formerly Invitae), Labcorp
Classification: Benign for CHARGE syndrome. Last evaluated: 2024-11-11. Review status: criteria provided, single submitter. Criteria: Invitae Variant Classification Sherloc (09022015). Collection method: clinical testing. Allele origin: germline.

PreventionGenetics, part of Exact Sciences
Classification: Uncertain significance for CHD7-related condition. Last evaluated: 2023-04-05. Review status: criteria provided, single submitter. Criteria: ACMG Guidelines, 2015. Collection method: clinical testing. Allele origin: germline.
Comment: The CHD7 c.1724G>C variant is predicted to result in the amino acid substitution p.Gly575Ala. To our knowledge, this variant has not been reported in the literature. This variant is reported in 0.041% of alleles in individuals of Ashkenazi Jewish descent in gnomAD. At this time, the clinical significance of this variant is uncertain due to the absence of conclusive functional and genetic evidence.

Ambry Genetics
Classification: Likely benign for Inborn genetic diseases. Last evaluated: 2023-02-02. Review status: criteria provided, single submitter. Criteria: Ambry Variant Classification Scheme 2023. Collection method: clinical testing. Allele origin: germline.